The following is an entry in ClinVar:

ClinVar aggregate classification (germline): Likely benign. Review status: criteria provided, multiple submitters, no conflicts (2 of 4 stars). 2 submissions from 2 submitters: Likely benign (2). Last evaluated 2025-12-03.

Conditions:
Fanconi anemia (FA). Also called: Fanconi's anemia. Identifiers: Orphanet 84, MedGen C0015625, MeSH D005199, MONDO:0019391.

Submissions (2):

Labcorp Genetics (formerly Invitae), Labcorp
Classification: Likely benign for Fanconi anemia. Last evaluated: 2025-12-03. Review status: criteria provided, single submitter. Criteria: Invitae Variant Classification Sherloc (09022015). Collection method: clinical testing. Allele origin: germline.

GeneDx
Classification: Likely benign. Last evaluated: 2016-03-18. Review status: criteria provided, single submitter. Criteria: GeneDx Variant Classification (06012015). Collection method: clinical testing. Allele origin: germline. Affected: yes.
Comment: This variant is considered likely benign or benign based on one or more of the following criteria: it is a conservative change, it occurs at a poorly conserved position in the protein, it is predicted to be benign by multiple in silico algorithms, and/or has population frequency not consistent with disease.

NM_000136.3(FANCC):c.896+13_896+48del

Genes: AOPEP (aminopeptidase O (putative); plus strand), FANCC (FA complementation group C; minus strand). Cytogenetic location: 9q22.32.
Variant type: Deletion.
Coding change: c.896+13_896+48del on transcript NM_000136.3 (MANE Select); bases 13 to 48 of the intron after coding-DNA position 896, 36 bases deleted.
Molecular consequence: intron variant.
Genome position (GRCh38, 1-based): chr9:95,126,481-95,126,516, 36 bases deleted; deleting any 36 consecutive bases within chr9:95,126,481-95,126,518 gives the same sequence; the c. name uses the placement nearest the transcript's 3' end. GRCh37 (hg19): chr9:97,888,765-97,888,800.
Other names: c.896+13_896+48delCTGTTTCTTCTAGTAATTGATGTAAAAAAGGTTCCA (NM_000136.2); c.896+13_896+48del (NM_001243743.2, NM_001243744.2).
Identifiers: ClinVar variation 420692 (VCV000420692.8), dbSNP rs749142233, ClinGen allele CA5137595.